The following is an entry in ClinVar:

ClinVar aggregate classification (germline): Uncertain significance (1 of 4 stars; one submission).

gnomAD v4.1: 9 of 1,614,042 alleles (0.00056%); highest among the groups gnomAD compares: Non-Finnish European, 0.00076%; no homozygotes.

Submission:

Labcorp Genetics (formerly Invitae), Labcorp
Classification: Uncertain significance. Last evaluated: 2025-09-21. Review status: criteria provided, single submitter. Criteria: Invitae Variant Classification Sherloc (09022015). Collection method: clinical testing. Allele origin: germline.
Comment: This sequence change replaces alanine, which is neutral and non-polar, with serine, which is neutral and polar, at codon 179 of the TEAD1 protein (p.Ala179Ser). This variant is not present in population databases (gnomAD no frequency). This variant has not been reported in the literature in individuals affected with TEAD1-related conditions. Invitae Evidence Modeling of protein sequence and biophysical properties (such as structural, functional, and spatial information, amino acid conservation, physicochemical variation, residue mobility, and thermodynamic stability) indicates that this missense variant is not expected to disrupt TEAD1 protein function with a negative predictive value of 80%. In summary, the available evidence is currently insufficient to determine the role of this variant in disease. Therefore, it has been classified as a Variant of Uncertain Significance.

NM_021961.6(TEAD1):c.535G>T (p.Ala179Ser)

Gene: TEAD1 (TEA domain transcription factor 1; plus strand). Cytogenetic location: 11p15.3.
Variant type: single nucleotide variant.
Coding change: c.535G>T on transcript NM_021961.6 (MANE Select); coding-DNA position 535, G replaced by T.
Protein change: p.Ala179Ser; replaces alanine 179 with serine.
Molecular consequence: missense variant.
Genome position (GRCh38, 1-based): chr11:12,881,918, G>T. VCF-style: chr11-12881918-G-T. GRCh37 (hg19) VCF-style: chr11-12903465-G-T.
Other names: short protein forms A179S.
Identifiers: ClinVar variation 4765600 (VCV004765600.1).
Genomic context (GRCh38, chr11:12,881,918, plus strand): 5'-CGATCTCTTAACTCTGTCTGCCATCTCTCTGTTCCCAGCGTCAAGCCTTTTGTGCAGCAG[G>T]CCTACCCCATCCAGCCAGCGGTCACAGCCCCCATTCCAGGTGAGTGTCCCTGAAACTCCT-3'
Protein context (NP_068780.2, residues 169-189): SQDVKPFVQQ[Ala179Ser]YPIQPAVTAP